The following is an entry in ClinVar:

ClinVar aggregate classification (germline): Conflicting classifications of pathogenicity. Review status: criteria provided, conflicting classifications (1 of 4 stars). 7 submissions from 7 submitters: Uncertain significance (1); Likely benign (5). 1 of the submissions does not count toward it. Last evaluated 2026-01-03.

Conditions:
POLG-related disorder. Also called: POLG-related condition; POLG-Related Disorders; POLG-Related Spectrum Disorders. Identifiers: MedGen C4763519.
Progressive sclerosing poliodystrophy (MTDPS4A). Also called: Mitochondrial DNA Depletion Syndrome 4A; Mitochondrial DNA depletion syndrome 4A (Alpers type); ALPERS DIFFUSE DEGENERATION OF CEREBRAL GRAY MATTER WITH HEPATIC CIRRHOSIS; NEURONAL DEGENERATION OF CHILDHOOD WITH LIVER DISEASE, PROGRESSIVE; Alpers-Huttenlocher Syndrome; Alpers-Huttenlocher Syndrome (AHS). Identifiers: Orphanet 726, MedGen C0205710, MONDO:0008758, OMIM 203700.

Allele frequency attached by ClinVar (database versions not stated): gnomAD 0.00004 and 0.00007; gnomAD exomes 0.00004 and 0.00008; ExAC 0.00006; TOPMed 0.00006.
gnomAD v4.1: 75 of 1,613,874 alleles (0.0046%); highest among the groups gnomAD compares: South Asian, 0.038%; no homozygotes.

Submissions (7):

Labcorp Genetics (formerly Invitae), Labcorp
Classification: Likely benign for Progressive sclerosing poliodystrophy. Last evaluated: 2026-01-03. Review status: criteria provided, single submitter. Criteria: Invitae Variant Classification Sherloc (09022015). Collection method: clinical testing. Allele origin: germline.

Blueprint Genetics
Classification: Likely benign. Last evaluated: 2024-11-13. Review status: criteria provided, single submitter. Criteria: ACMG Guidelines, 2015. Collection method: clinical testing. Allele origin: germline.

CeGaT Center for Human Genetics Tuebingen
Classification: Likely benign. Last evaluated: 2022-12-01. Review status: criteria provided, single submitter. Criteria: CeGaT Center For Human Genetics Tuebingen Variant Classification Criteria Version 2. Collection method: clinical testing. Allele origin: germline. Affected: yes. Observed: 1 variant allele.
Comment: POLG: BP4, BP7

Athena Diagnostics
Classification: Likely benign. Last evaluated: 2019-10-08. Review status: criteria provided, single submitter. Criteria: Athena Diagnostics Criteria. Collection method: clinical testing. Allele origin: unknown.

GeneDx
Classification: Likely benign. Last evaluated: 2019-07-11. Review status: criteria provided, single submitter. Criteria: GeneDx Variant Classification Process June 2021. Collection method: clinical testing. Allele origin: germline. Affected: yes.

Eurofins Ntd Llc (ga)
Classification: Uncertain significance. Last evaluated: 2017-06-15. Review status: criteria provided, single submitter. Criteria: EGL Classification Definitions 2015. Collection method: clinical testing. Allele origin: germline. Observed: 1 variant allele, 1 heterozygote.

PreventionGenetics, part of Exact Sciences
Classification: Likely benign for POLG-related condition. Last evaluated: 2021-09-15. Review status: no assertion criteria provided. Collection method: clinical testing. Allele origin: germline. Not counted in ClinVar's aggregate classification.
Comment: This variant is classified as likely benign based on ACMG/AMP sequence variant interpretation guidelines (Richards et al. 2015 PMID: 25741868, with internal and published modifications).

NM_002693.3(POLG):c.3444C>T (p.Arg1148=)

Gene: POLG (DNA polymerase gamma, catalytic subunit; minus strand). Cytogenetic location: 15q26.1.
Variant type: single nucleotide variant.
Coding change: c.3444C>T on transcript NM_002693.3 (MANE Select); coding-DNA position 3444, C replaced by T.
Protein change: p.Arg1148=; no amino-acid change (arginine 1148 retained).
Molecular consequence: synonymous variant.
Genome position (GRCh38, 1-based): chr15:89,318,579, G>A on the plus strand (C>T on the coding strand, the complement: POLG is on the minus strand). VCF-style: chr15-89318579-G-A. GRCh37 (hg19) VCF-style: chr15-89861810-G-A.
Other names: c.3444C>T, p.Arg1148= (NM_001126131.2).
Identifiers: ClinVar variation 378417 (VCV000378417.45), dbSNP rs374937961, ClinGen allele CA7724140.